The following is an entry in ClinVar:

NM_002485.5(NBN):c.1520A>G (p.His507Arg)

Gene: NBN (nibrin; minus strand). Cytogenetic location: 8q21.3.
Variant type: single nucleotide variant.
Coding change: c.1520A>G on transcript NM_002485.5 (MANE Select); coding-DNA position 1520, A replaced by G.
Protein change: p.His507Arg; replaces histidine 507 with arginine.
Molecular consequence: missense variant.
Genome position (GRCh38, 1-based): chr8:89,953,569, T>C on the plus strand (A>G on the coding strand, the complement: NBN is on the minus strand). VCF-style: chr8-89953569-T-C. GRCh37 (hg19) VCF-style: chr8-90965797-T-C.
Other names: c.1274A>G, p.His425Arg (NM_001024688.3); short protein forms H507R, H425R.
Identifiers: ClinVar variation 142521 (VCV000142521.25), dbSNP rs587782520, ClinGen allele CA168618.
Genomic context (GRCh38, chr8:89,953,569, plus strand): 5'-TCTGTATCTGTAAATAAGTTATTGTCTGAGTTTGTGTCCACAGGCTCATTCTCAGATAGA[T>C]GCTGCTCCTTATTTTTCCACAATGAGGGTGTAGCAGGTTGTGTTTGTTCTAAAAGAGAAC-3'
Protein context (NP_002476.2, residues 497-517): TPSLWKNKEQ[His507Arg]LSENEPVDTN

ClinVar aggregate classification (germline): Uncertain significance. Review status: criteria provided, multiple submitters, no conflicts (2 of 4 stars). 8 submissions from 8 submitters: Uncertain significance (6). 2 of the submissions do not count toward it. Last evaluated 2024-10-14.

Conditions:
Hereditary cancer-predisposing syndrome. Also called: Neoplastic Syndromes, Hereditary; Hereditary Cancer Syndrome; Hereditary neoplastic syndrome; Tumor predisposition. Identifiers: Orphanet 140162, MedGen C0027672, MeSH D009386, MONDO:0015356.
Aplastic anemia. Identifiers: Orphanet 182040, Orphanet 88, MedGen C0002874, MONDO:0015909, OMIM 609135, HP:0001915.
Microcephaly, normal intelligence and immunodeficiency (NBS). Also called: Immunodeficiency, microcephaly with normal intelligence; SEEMANOVA SYNDROME II; Nijmegen breakage syndrome; Microcephaly with normal intelligence immunodeficiency and lymphoreticular malignancies; Nonsyndromal microcephaly autosomal recessive with normal intelligence; Seemanova syndrome 2. Identifiers: Orphanet 647, MedGen C0398791, MONDO:0009623, OMIM 251260.
Acute lymphoid leukemia (ALL). Also called: Acute lymphoblastic leukemia; Acute lymphocytic leukemia; Leukemia, acute lymphoblastic, somatic; Lymphoblastic leukemia. Identifiers: Orphanet 513, MedGen C0023449, MONDO:0004967, OMIM 613065, HP:0006721.

Allele frequency attached by ClinVar (database versions not stated): gnomAD exomes below 0.00001 and 0.00001.
gnomAD v4.1: 3 of 1,613,850 alleles (0.00019%); highest among the groups gnomAD compares: South Asian, 0.0011%; no homozygotes.

Submissions (8):

Labcorp Genetics (formerly Invitae), Labcorp
Classification: Uncertain significance for Microcephaly, normal intelligence and immunodeficiency. Last evaluated: 2024-10-14. Review status: criteria provided, single submitter. Criteria: Invitae Variant Classification Sherloc (09022015). Collection method: clinical testing. Allele origin: germline.
Comment: This sequence change replaces histidine, which is basic and polar, with arginine, which is basic and polar, at codon 507 of the NBN protein (p.His507Arg). This variant is present in population databases (rs587782520, gnomAD 0.0009%). This variant has not been reported in the literature in individuals affected with NBN-related conditions. ClinVar contains an entry for this variant (Variation ID: 142521). An algorithm developed to predict the effect of missense changes on protein structure and function (PolyPhen-2) suggests that this variant¬†is likely to be tolerated. In summary, the available evidence is currently insufficient to determine the role of this variant in disease. Therefore, it has been classified as a Variant of Uncertain Significance.

Fulgent Genetics
Classification: Uncertain significance for Microcephaly, normal intelligence and immunodeficiency; Aplastic anemia; Acute lymphoid leukemia. Last evaluated: 2024-05-31. Review status: criteria provided, single submitter. Criteria: ACMG Guidelines, 2015. Collection method: clinical testing. Allele origin: germline.

Ambry Genetics
Classification: Uncertain significance for Hereditary cancer-predisposing syndrome. Last evaluated: 2023-03-10. Review status: criteria provided, single submitter. Criteria: Ambry Variant Classification Scheme 2023. Collection method: clinical testing. Allele origin: germline.
Comment: The p.H507R variant (also known as c.1520A>G), located in coding exon 11 of the NBN gene, results from an A to G substitution at nucleotide position 1520. The histidine at codon 507 is replaced by arginine, an amino acid with highly similar properties. This amino acid position is poorly conserved in available vertebrate species. In addition, this alteration is predicted to be tolerated by in silico analysis. Since supporting evidence is limited at this time, the clinical significance of this alteration remains unclear.

Sema4
Classification: Uncertain significance for Hereditary cancer-predisposing syndrome. Last evaluated: 2022-02-04. Review status: criteria provided, single submitter. Criteria: Sema4 Curation Guidelines. Collection method: curation. Allele origin: germline.
Comment: The NBN c.1520A>G (p.H507R) variant has not been reported in the literature to our knowledge. This variant was observed in 1/113402 chromosomes in the Non-Finnish European population according to the Genome Aggregation Database (PMID: 32461654). The variant has been reported in ClinVar (Variation ID: 142521). In silico tools suggest the impact of the variant on protein function is benign, though these predictions have not been confirmed by functional studies. The evidence is insufficient to meet ACMG/AMP criteria for classifying the variant as benign or pathogenic. Thus, the clinical significance of this variant is currently uncertain.

Genome-Nilou Lab
Classification: Uncertain significance for Microcephaly, normal intelligence and immunodeficiency. Last evaluated: 2021-11-07. Review status: criteria provided, single submitter. Criteria: ACMG Guidelines, 2015. Collection method: clinical testing. Allele origin: germline. Affected: no.

GeneDx
Classification: Uncertain significance. Last evaluated: 2020-06-22. Review status: criteria provided, single submitter. Criteria: GeneDx Variant Classification Process June 2021. Collection method: clinical testing. Allele origin: germline. Affected: yes.
Comment: Not observed at a significant frequency in large population cohorts (Lek et al., 2016); In silico analysis supports that this missense variant does not alter protein structure/function; Has not been previously published as pathogenic or benign to our knowledge

Natera, Inc.
Classification: Uncertain significance for Nijmegen breakage syndrome. Last evaluated: 2020-08-27. Review status: no assertion criteria provided. Collection method: clinical testing. Allele origin: germline. Not counted in ClinVar's aggregate classification.

Counsyl
Classification: Uncertain significance for Microcephaly, normal intelligence and immunodeficiency. Last evaluated: 2017-10-06. Review status: no assertion criteria provided. Collection method: clinical testing. Allele origin: unknown. Not counted in ClinVar's aggregate classification.

Literature cited by the submitters: PubMed 25186627 (cited by Ambry Genetics).